The following is an entry in ClinVar:

ClinVar aggregate classification (germline): Uncertain significance (1 of 4 stars; one submission).

Conditions:
Combined oxidative phosphorylation defect type 27. Also called: Combined oxidative phosphorylation deficiency 27. Identifiers: Orphanet 477774, MedGen C5567608, MONDO:0014728, OMIM 616672.

Allele frequency attached by ClinVar (database versions not stated): gnomAD 0.00001 and 0.00005; TOPMed 0.00002; ExAC 0.00009; 1000 Genomes Project 0.00060; 1000 Genomes Project 30x 0.00062.
gnomAD v4.1: 165 of 1,575,650 alleles (0.01%); highest among the groups gnomAD compares: East Asian, 0.39%; no homozygotes.

Submission:

Labcorp Genetics (formerly Invitae), Labcorp
Classification: Uncertain significance for Combined oxidative phosphorylation defect type 27. Last evaluated: 2022-04-01. Review status: criteria provided, single submitter. Criteria: Invitae Variant Classification Sherloc (09022015). Collection method: clinical testing. Allele origin: germline.
Comment: This sequence change replaces glycine, which is neutral and non-polar, with arginine, which is basic and polar, at codon 60 of the CARS2 protein (p.Gly60Arg). This variant is present in population databases (rs199874662, gnomAD 0.1%). This variant has not been reported in the literature in individuals affected with CARS2-related conditions. ClinVar contains an entry for this variant (Variation ID: 566914). Algorithms developed to predict the effect of missense changes on protein structure and function output the following: SIFT: "Tolerated"; PolyPhen-2: "Benign"; Align-GVGD: "Class C0". The arginine amino acid residue is found in multiple mammalian species, which suggests that this missense change does not adversely affect protein function. In summary, the available evidence is currently insufficient to determine the role of this variant in disease. Therefore, it has been classified as a Variant of Uncertain Significance.

NM_024537.4(CARS2):c.178G>C (p.Gly60Arg)

Gene: CARS2 (cysteinyl-tRNA synthetase 2, mitochondrial; minus strand). Cytogenetic location: 13q34.
Variant type: single nucleotide variant.
Coding change: c.178G>C on transcript NM_024537.4 (MANE Select); coding-DNA position 178, G replaced by C.
Protein change: p.Gly60Arg; replaces glycine 60 with arginine.
Molecular consequence: missense variant. On other transcripts: non-coding transcript variant (1), intron variant (1).
Genome position (GRCh38, 1-based): chr13:110,705,916, C>G on the plus strand (G>C on the coding strand, the complement: CARS2 is on the minus strand). VCF-style: chr13-110705916-C-G. GRCh37 (hg19) VCF-style: chr13-111358263-C-G.
Other names: c.178G>C, p.Gly60Arg (NM_001352253.3); c.-775-345G>C (NM_001352252.2); short protein forms G60R.
Identifiers: ClinVar variation 566914 (VCV000566914.7), dbSNP rs199874662, ClinGen allele CA7052391.